The following is an entry in ClinVar:

ClinVar aggregate classification (germline): Pathogenic (1 of 4 stars; one submission).

Conditions:
Familial cancer of breast. Also called: hereditary breast carcinoma; BREAST CANCER, FAMILIAL; Hereditary breast cancer. Identifiers: Orphanet 227535, MedGen C0346153, MONDO:0016419, OMIM 114480. Disease mechanism: loss of function.

Submission:

Labcorp Genetics (formerly Invitae), Labcorp
Classification: Pathogenic for Familial cancer of breast. Last evaluated: 2022-08-08. Review status: criteria provided, single submitter. Criteria: Invitae Variant Classification Sherloc (09022015). Collection method: clinical testing. Allele origin: germline.
Comment: For these reasons, this variant has been classified as Pathogenic. This variant has not been reported in the literature in individuals affected with CHEK2-related conditions. This variant is not present in population databases (gnomAD no frequency). This sequence change creates a premature translational stop signal (p.Cys284Alafs*20) in the CHEK2 gene. It is expected to result in an absent or disrupted protein product. Loss-of-function variants in CHEK2 are known to be pathogenic (PMID: 21876083, 24713400).

Literature cited by the submitters: PubMed 21876083; PubMed 24713400.

NM_007194.4(CHEK2):c.850del (p.Cys284fs)

Gene: CHEK2 (checkpoint kinase 2; minus strand). Cytogenetic location: 22q12.1.
Variant type: Deletion.
Coding change: c.850del on transcript NM_007194.4 (MANE Select); coding-DNA position 850, one base deleted (T; older notation c.850delT).
Protein change: p.Cys284fs; shifts the reading frame from cysteine 284.
Molecular consequence: frameshift variant.
Genome position (GRCh38, 1-based): chr22:28,703,563, A deleted on the plus strand (T on the coding strand, the reverse complement: CHEK2 is on the minus strand); the first of 2 consecutive A bases (chr22:28,703,563-28,703,564); deleting either gives the same sequence. VCF-style (leftmost placement, unchanged base first): chr22-28703562-CA-C. GRCh37 (hg19) VCF-style: chr22-29099550-CA-C.
Other names: c.978delT, p.Cys327Alafs (NM_001005735.3); c.186delT, p.Cys63Alafs (NM_001257387.3); c.648delT, p.Cys217Alafs (NM_001349956.3); c.849delT, p.Cys284Alafs (NM_145862.3); short protein forms C63fs, C217fs, C284fs, C327fs.
Identifiers: ClinVar variation 2022767 (VCV002022767.4), dbSNP rs2517887588, ClinGen allele CA2580099386.